The following is an entry in ClinVar:

NM_003849.3(SUCLG1):c.-15G>A

Gene: SUCLG1 (succinate-CoA ligase GDP/ADP-forming subunit alpha; minus strand). Cytogenetic location: 2p11.2.
Variant type: single nucleotide variant.
Coding change: c.-15G>A on transcript NM_003849.3; 15 bases upstream of the start codon, G replaced by A.
Genome position (GRCh38, 1-based): chr2:84,459,284, C>T on the plus strand (G>A on the coding strand, the complement: SUCLG1 is on the minus strand). VCF-style: chr2-84459284-C-T. GRCh37 (hg19) VCF-style: chr2-84686408-C-T.
Identifiers: ClinVar variation 381880 (VCV000381880.3), dbSNP rs779839691, ClinGen allele CA1736454.

ClinVar aggregate classification (germline): Likely benign (1 of 4 stars; one submission).

Allele frequency attached by ClinVar (database versions not stated): gnomAD 0.00006 and 0.00005; TOPMed 0.00005; gnomAD exomes 0.00006 and 0.00003; ExAC 0.00006.

Submission:

GeneDx
Classification: Likely benign. Last evaluated: 2015-12-03. Review status: criteria provided, single submitter. Criteria: GeneDx Variant Classification (06012015). Collection method: clinical testing. Allele origin: germline. Affected: yes.
Comment: This variant is considered likely benign or benign based on one or more of the following criteria: it is a conservative change, it occurs at a poorly conserved position in the protein, it is predicted to be benign by multiple in silico algorithms, and/or has population frequency not consistent with disease.